The following is an entry in ClinVar:

NM_173842.3(IL1RN):c.39T>A (p.Thr13=)

Gene: IL1RN (interleukin 1 receptor antagonist; plus strand). Cytogenetic location: 2q14.1.
Variant type: single nucleotide variant.
Coding change: c.39T>A on transcript NM_173842.3 (MANE Select); coding-DNA position 39, T replaced by A.
Protein change: p.Thr13=; no amino-acid change (threonine 13 retained).
Molecular consequence: synonymous variant. On other transcripts: intron variant (5).
Genome position (GRCh38, 1-based): chr2:113,127,663, T>A. VCF-style: chr2-113127663-T-A. GRCh37 (hg19) VCF-style: chr2-113885240-T-A.
Other names: c.-38-26T>A (NM_001318914.2, NM_173843.3, NM_001379360.1); c.74-26T>A (NM_173841.3); c.11-26T>A (NM_000577.5).
Identifiers: ClinVar variation 3053698 (VCV003053698.3), dbSNP rs368716176, ClinGen allele CA1838745.
Genomic context (GRCh38, chr2:113,127,663, plus strand): 5'-ACTGCCTTGCTGCAGTCACAGAATGGAAATCTGCAGAGGCCTCCGCAGTCACCTAATCAC[T>A]CTCCTCCTCTTCCTGTTCCATTCAGAGACGATCTGCCGACCCTCTGGGAGAAAATCCAGC-3'
Protein context (NP_776214.1, residues 3-23): ICRGLRSHLI[Thr13=]LLLFLFHSET

ClinVar aggregate classification (germline): Likely benign. Review status: criteria provided, single submitter (1 of 4 stars). 2 submissions from 2 submitters: Likely benign (1). 1 of the submissions does not count toward it. Last evaluated 2024-11-20.

Conditions:
IL1RN-related disorder. Also called: IL1RN-related condition.

Allele frequency attached by ClinVar (database versions not stated): gnomAD exomes 0.00004; gnomAD 0.00014; ExAC 0.00018; TOPMed 0.00023.
gnomAD v4.1: 145 of 1,613,986 alleles (0.009%); highest among the groups gnomAD compares: East Asian, 0.12%; no homozygotes.

Submissions (2):

Blueprint Genetics
Classification: Likely benign. Last evaluated: 2024-11-20. Review status: criteria provided, single submitter. Criteria: ACMG Guidelines, 2015. Collection method: clinical testing. Allele origin: germline.

PreventionGenetics, part of Exact Sciences
Classification: Likely benign for IL1RN-related condition. Last evaluated: 2019-08-26. Review status: no assertion criteria provided. Collection method: clinical testing. Allele origin: germline. Not counted in ClinVar's aggregate classification.
Comment: This variant is classified as likely benign based on ACMG/AMP sequence variant interpretation guidelines (Richards et al. 2015 PMID: 25741868, with internal and published modifications).